The following is an entry in ClinVar:

NM_001369.3(DNAH5):c.6924del (p.Thr2309fs)

Gene: DNAH5 (dynein axonemal heavy chain 5; minus strand). Cytogenetic location: 5p15.2.
Variant type: Deletion.
Coding change: c.6924del on transcript NM_001369.3 (MANE Select); coding-DNA position 6924, one base deleted (C; older notation c.6924delC).
Protein change: p.Thr2309fs; shifts the reading frame from threonine 2309.
Molecular consequence: frameshift variant.
Genome position (GRCh38, 1-based): chr5:13,817,612, G deleted on the plus strand (C on the coding strand, the reverse complement: DNAH5 is on the minus strand); the first of 2 consecutive G bases (chr5:13,817,612-13,817,613); deleting either gives the same sequence. VCF-style (leftmost placement, unchanged base first): chr5-13817611-TG-T. GRCh37 (hg19) VCF-style: chr5-13817720-TG-T.
Other names: short protein forms T2309fs.
Identifiers: ClinVar variation 1725914 (VCV001725914.2), dbSNP rs2546833959, ClinGen allele CA2580072127.

ClinVar aggregate classification (germline): Likely pathogenic (1 of 4 stars; one submission).

Conditions:
Primary ciliary dyskinesia 3. Identifiers: Orphanet 244, MedGen C1837618, MONDO:0012085, OMIM 608644.

Submission:

Myriad Genetics, Inc.
Classification: Likely pathogenic for Primary ciliary dyskinesia 3. Last evaluated: 2022-04-13. Review status: criteria provided, single submitter. Criteria: Myriad Women's Health Autosomal Recessive and X-Linked Classification Criteria (2021). Collection method: clinical testing. Allele origin: unknown.
Comment: NM_001369.2(DNAH5):c.6924delC(T2309Qfs*17) is expected to be pathogenic in the context of DNAH5-related primary ciliary dyskinesia. This variant is predicted to lead to an abnormal or absent protein product due to the creation of a premature termination codon in DNAH5, a gene where loss-of-function variants are known to be pathogenic. Please note: this variant was assessed in the context of healthy population screening.